The following is an entry in ClinVar:

NM_001276345.2(TNNT2):c.284T>A (p.Val95Glu)

Gene: TNNT2 (troponin T2, cardiac type; minus strand). Cytogenetic location: 1q32.1.
Variant type: single nucleotide variant.
Coding change: c.284T>A on transcript NM_001276345.2 (MANE Select); coding-DNA position 284, T replaced by A.
Protein change: p.Val95Glu; replaces valine 95 with glutamic acid.
Molecular consequence: missense variant.
Genome position (GRCh38, 1-based): chr1:201,365,620, A>T on the plus strand (T>A on the coding strand, the complement: TNNT2 is on the minus strand). VCF-style: chr1-201365620-A-T. GRCh37 (hg19) VCF-style: chr1-201334748-A-T.
Other names: c.284T>A, p.Val95Glu (NM_000364.4, NM_001406723.1); c.254T>A, p.Val85Glu (NM_001001430.3, NM_001001431.3, NM_001276347.2 and 3 more transcripts); c.239T>A, p.Val80Glu (NM_001001432.3, NM_001406728.1); c.281T>A, p.Val94Glu (NM_001276346.2); c.251T>A, p.Val84Glu (NM_001406725.1); short protein forms V80E, V84E, V85E, V94E, V95E.
Identifiers: ClinVar variation 3254590 (VCV003254590.1), dbSNP rs2102264743.

ClinVar aggregate classification (germline): Uncertain significance (1 of 4 stars; one submission).

Conditions:
Dilated cardiomyopathy 1D. Identifiers: Orphanet 154, Orphanet 54260, MedGen C1832243, MONDO:0011095, OMIM 601494.

Submission:

Victorian Clinical Genetics Services, Murdoch Childrens Research Institute
Classification: Uncertain significance for Dilated cardiomyopathy 1D. Last evaluated: 2022-03-31. Review status: criteria provided, single submitter. Criteria: ACMG Guidelines, 2015. Collection method: clinical testing. Allele origin: germline. Inheritance: Autosomal dominant inheritance. Affected: yes.
Comment: Based on the classification scheme VCGS_Germline_v1.3.4, this variant is classified as VUS-3B. Following criteria are met: 0105 - The mechanism of disease for this gene is not clearly established. Functional studies have suggested loss-of-function, gain-of-function and dominant-negative mechanisms based on calcium sensitivity, contractibility and mouse models (PMID: 18612386, 32098556, 33025817). (I) 0107 - This gene is associated with autosomal dominant disease. (I) 0115 - Variants in this gene are known to have variable expressivity, e.g., the variant, p.(Arg92Gln), has been reported to cause both DCM and HCM, even within the same family (PMID: 26507537). (I) 0200 - Variant is predicted to result in a missense amino acid change from valine to glutamic acid. (I) 0251 - This variant is heterozygous. (I) 0301 - Variant is absent from gnomAD (both v2 and v3). (SP) 0502 - Missense variant with conflicting in silico predictions and uninformative conservation. (I) 0604 - Variant is not located in an established domain, motif, hotspot or informative constraint region. (I) 0704 - Another missense variant comparable to the one identified in this case has limited previous evidence for pathogenicity. This alternative change, p.(Val95Leu), has been reported as pathogenic, and observed in a single individual with hypertrophic cardiomyopathy (HCM) (LOVD, PMID: 14972426). Another alternative change, p.(Val95Met), has been reported as a VUS and observed in two unrelated individuals with HCM (LOVD, PMID: 19659763, PMID: 30847666). (SP) 0807 - This variant has no previous evidence of pathogenicity. (I) 0905 - No published segregation evidence has been identified for this variant. (I) 1007 - No published functional evidence has been identified for this variant. (I) 1208 - Inheritance information for this variant is not currently available in this individual. (I) Legend: (SP) - Supporting pathogenic, (I) - Information, (SB) - Supporting benign

Literature cited by the submitters: PubMed 14972426; PubMed 18612386; PubMed 19659763; PubMed 26507537; PubMed 30847666; PubMed 32098556; PubMed 33025817.